The following is an entry in ClinVar:

NM_000237.3(LPL):c.1428-80T>A

Gene: LPL (lipoprotein lipase; plus strand). Cytogenetic location: 8p21.3.
Variant type: single nucleotide variant.
Coding change: c.1428-80T>A on transcript NM_000237.3 (MANE Select); 80 bases into the intron before coding-DNA position 1428, T replaced by A.
Molecular consequence: intron variant.
Genome position (GRCh38, 1-based): chr8:19,965,230, T>A. VCF-style: chr8-19965230-T-A. GRCh37 (hg19) VCF-style: chr8-19822741-T-A.
Identifiers: ClinVar variation 1707127 (VCV001707127.2), dbSNP rs117910839, ClinGen allele CA12913941.

ClinVar aggregate classification (germline): Likely benign (1 of 4 stars; one submission).

Allele frequency attached by ClinVar (database versions not stated): 1000 Genomes Project 0.01038; 1000 Genomes Project 30x 0.01140; TOPMed 0.02006; gnomAD 0.02070; ESP Exome Variant Server 0.02475.
gnomAD v4.1: 17,761 of 773,910 alleles (2.3%); highest among the groups gnomAD compares: Non-Finnish European, 3.1%; 295 homozygotes.

Submission:

GeneDx
Classification: Likely benign. Last evaluated: 2021-01-10. Review status: criteria provided, single submitter. Criteria: GeneDx Variant Classification Process June 2021. Collection method: clinical testing. Allele origin: germline. Affected: yes.
Comment: See Variant Classification Assertion Criteria.